The following is an entry in ClinVar:

ClinVar aggregate classification (germline): Uncertain significance (1 of 4 stars; one submission).

Conditions:
Hereditary cancer-predisposing syndrome. Also called: Neoplastic Syndromes, Hereditary; Tumor predisposition; Hereditary Cancer Syndrome; Hereditary neoplastic syndrome. Identifiers: Orphanet 140162, MedGen C0027672, MeSH D009386, MONDO:0015356.

Submission:

Ambry Genetics
Classification: Uncertain significance for Hereditary cancer-predisposing syndrome. Last evaluated: 2016-10-05. Review status: criteria provided, single submitter. Criteria: Ambry Variant Classification Scheme 2023. Collection method: clinical testing. Allele origin: germline.
Comment: The p.N1039T variant (also known as c.3116A>C), located in coding exon 4 of the MSH6 gene, results from an A to C substitution at nucleotide position 3116. The asparagine at codon 1039 is replaced by threonine, an amino acid with similar properties. This amino acid position is highly conserved in available vertebrate species. In addition, the in silico prediction for this alteration is inconclusive. In addition, the CoDP in silico tool predicts this alteration to have minor impact on molecular function, with a score of 0.032 (Terui H et al. J. Biomed. Sci. 2013;20:25). Since supporting evidence is limited at this time, the clinical significance of this alteration remains unclear.

NM_000179.3(MSH6):c.3116A>C (p.Asn1039Thr)

Gene: MSH6 (mutS homolog 6; plus strand). Cytogenetic location: 2p16.3.
Variant type: single nucleotide variant.
Coding change: c.3116A>C on transcript NM_000179.3 (MANE Select); coding-DNA position 3116, A replaced by C.
Protein change: p.Asn1039Thr; replaces asparagine 1039 with threonine.
Molecular consequence: missense variant.
Genome position (GRCh38, 1-based): chr2:47,801,099, A>C. VCF-style: chr2-47801099-A-C. GRCh37 (hg19) VCF-style: chr2-48028238-A-C.
Other names: c.2726A>C, p.Asn909Thr (NM_001281492.2); c.2210A>C, p.Asn737Thr (NM_001281493.2, NM_001281494.2); short protein forms N1039T, N737T, N909T.
Identifiers: ClinVar variation 483820 (VCV000483820.5), dbSNP rs1553414532, ClinGen allele CA346756624.